The following is an entry in ClinVar:

NM_201384.3(PLEC):c.838C>T (p.Arg280Cys)

Gene: PLEC (plectin; minus strand). Cytogenetic location: 8q24.3.
Variant type: single nucleotide variant.
Coding change: c.838C>T on transcript NM_201384.3 (MANE Select); coding-DNA position 838, C replaced by T.
Protein change: p.Arg280Cys; replaces arginine 280 with cysteine.
Molecular consequence: missense variant.
Genome position (GRCh38, 1-based): chr8:143,934,917, G>A on the plus strand (C>T on the coding strand, the complement: PLEC is on the minus strand). VCF-style: chr8-143934917-G-A. GRCh37 (hg19) VCF-style: chr8-145009085-G-A.
Other names: c.919C>T, p.Arg307Cys (NM_000445.5); c.796C>T, p.Arg266Cys (NM_201378.4); c.772C>T, p.Arg258Cys (NM_201379.3); c.1249C>T, p.Arg417Cys (NM_201380.4); c.742C>T, p.Arg248Cys (NM_201381.3); c.838C>T, p.Arg280Cys (NM_201382.4); c.850C>T, p.Arg284Cys (NM_201383.3); short protein forms R248C, R258C, R266C, R280C, R284C, R307C, R417C.
Identifiers: ClinVar variation 449222 (VCV000449222.17), dbSNP rs372997489, ClinGen allele CA4928276.
Genomic context (GRCh38, chr8:143,934,917, plus strand): 5'-CCGTGTGGTGTCGCATCCACTGAAGCAGCAGCAGCACCAGCTCCCGGTACTCCTGCCAGC[G>A]CAGCTGCAGCTCCTGCGGGCAGGCACGGGCGGCTGTCAGGGGTCGTCGGGGCGTCCAGGC-3'
Protein context (NP_958786.1, residues 270-290): DGVRANELQL[Arg280Cys]WQEYRELVLL

ClinVar aggregate classification (germline): Uncertain significance. Review status: criteria provided, multiple submitters, no conflicts (2 of 4 stars). 7 submissions from 7 submitters: Uncertain significance (7). Last evaluated 2026-09-01.

Conditions:
Epidermolysis bullosa simplex 5C, with pyloric atresia (EBS5C). Also called: PLEC-Related Epidermolysis Bullosa with Pyloric Atresia; PLEC1-Related Epidermolysis Bullosa with Pyloric Atresia; Epidermolysis bullosa simplex with pyloric atresia. Identifiers: Orphanet 158684, MedGen C2677349, MONDO:0012807, OMIM 612138.
Autosomal recessive limb-girdle muscular dystrophy type 2Q (LGMDR17). Also called: MUSCULAR DYSTROPHY, LIMB-GIRDLE, AUTOSOMAL RECESSIVE 17. Identifiers: Orphanet 254361, MedGen C3150989, MONDO:0013390, OMIM 613723.
Epidermolysis bullosa simplex with nail dystrophy (EBS5D). Identifiers: MedGen C4225309, MONDO:0014661, OMIM 616487.
Junctional epidermolysis bullosa with pyloric atresia. Also called: Epidermolysis bullosa, junctional, with pyloric atresia and aplasia cutis congenita; Epidermolysis bullosa junctionalis with pyloric atresia; APLASIA CUTIS CONGENITA WITH GASTROINTESTINAL ATRESIA; CARMI SYNDROME; EB-PA-ACC; ITGB4-Related Epidermolysis Bullosa with Pyloric Atresia. Identifiers: Orphanet 79403, MedGen C5676875, MONDO:0009183, OMIM 226730.
Epidermolysis bullosa simplex, Ogna type (EBS5A). Also called: Pidermolysis bullosa simplex 5A, Ogna type; EPIDERMOLYSIS BULLOSA SIMPLEX 5A, OGNA TYPE. Identifiers: Orphanet 79401, MedGen C0432317, MONDO:0007555, OMIM 131950.
Epidermolysis bullosa simplex 5B, with muscular dystrophy (EBS5B). Also called: EPIDERMOLYSIS BULLOSA SIMPLEX AND LIMB-GIRDLE MUSCULAR DYSTROPHY; Epidermolysis bullosa simplex with muscular dystrophy. Identifiers: Orphanet 257, MedGen C2931072, MONDO:0009181, OMIM 226670.

Allele frequency attached by ClinVar (database versions not stated): gnomAD 0.00001; TOPMed 0.00002; gnomAD exomes 0.00004; ExAC 0.00006; ESP Exome Variant Server 0.00008.

Submissions (7):

CeGaT Center for Human Genetics Tuebingen
Classification: Uncertain significance. Last evaluated: 2026-09-01. Review status: criteria provided, single submitter. Criteria: CeGaT Center For Human Genetics Tuebingen Variant Classification Criteria Version 2. Collection method: clinical testing. Allele origin: germline. Affected: yes. Observed: 1 variant allele.
Comment: PLEC: PM2

Labcorp Genetics (formerly Invitae), Labcorp
Classification: Uncertain significance for Autosomal recessive limb-girdle muscular dystrophy type 2Q; Epidermolysis bullosa simplex, Ogna type; Epidermolysis bullosa simplex with nail dystrophy; Epidermolysis bullosa simplex 5C, with pyloric atresia; Epidermolysis bullosa simplex 5B, with muscular dystrophy. Last evaluated: 2026-01-19. Review status: criteria provided, single submitter. Criteria: Invitae Variant Classification Sherloc (09022015). Collection method: clinical testing. Allele origin: germline.
Comment: This sequence change replaces arginine, which is basic and polar, with cysteine, which is neutral and slightly polar, at codon 307 of the PLEC protein (p.Arg307Cys). This variant is present in population databases (rs372997489, gnomAD 0.007%). This missense change has been observed in individual(s) with congenital myopathy (PMID: 30919572). ClinVar contains an entry for this variant (Variation ID: 449222). Experimental studies and prediction algorithms are not available or were not evaluated, and the functional significance of this variant is currently unknown. In summary, the available evidence is currently insufficient to determine the role of this variant in disease. Therefore, it has been classified as a Variant of Uncertain Significance.

Fulgent Genetics
Classification: Uncertain significance for Epidermolysis bullosa simplex, Ogna type; Epidermolysis bullosa simplex 5B, with muscular dystrophy; Epidermolysis bullosa simplex 5C, with pyloric atresia; Autosomal recessive limb-girdle muscular dystrophy type 2Q; Epidermolysis bullosa simplex with nail dystrophy. Last evaluated: 2024-06-14. Review status: criteria provided, single submitter. Criteria: ACMG Guidelines, 2015. Collection method: clinical testing. Allele origin: germline.

Revvity Omics, Revvity
Classification: Uncertain significance. Last evaluated: 2023-06-30. Review status: criteria provided, single submitter. Criteria: ACMG Guidelines, 2015. Collection method: clinical testing. Allele origin: germline.

Department of Pathology and Laboratory Medicine, Sinai Health System
Classification: Uncertain significance for Epidermolysis bullosa simplex, Ogna type; Epidermolysis bullosa simplex 5B, with muscular dystrophy; Junctional epidermolysis bullosa with pyloric atresia; Epidermolysis bullosa simplex 5C, with pyloric atresia; Autosomal recessive limb-girdle muscular dystrophy type 2Q; Epidermolysis bullosa simplex with nail dystrophy. Last evaluated: 2021-09-10. Review status: criteria provided, single submitter. Criteria: ACMG Guidelines, 2015. Collection method: research. Allele origin: germline.

GeneDx
Classification: Uncertain significance. Last evaluated: 2017-02-02. Review status: criteria provided, single submitter. Criteria: GeneDx Variant Classification (06012015). Collection method: clinical testing. Allele origin: germline. Affected: yes.
Comment: The R307C variant has not been published as a pathogenic variant, nor has it been reported as a benign variant to our knowledge. The R307C variant is not observed at a significant frequency in large population cohorts (Lek et al., 2016; 1000 Genomes Consortium et al., 2015; Exome Variant Server). This variant is a non-conservative amino acid substitution, which is likely to impact secondary protein structure as these residues differ in polarity, charge, size and/or other properties. This substitution occurs at a position that is conserved across species, and in silico analysis predicts this variant is probably damaging to the protein structure/function. However, most reported pathogenic variants in the PLEC gene are loss of function and result from nonsense and frameshift variants.

Eurofins Ntd Llc (ga)
Classification: Uncertain significance. Last evaluated: 2017-01-04. Review status: criteria provided, single submitter. Criteria: EGL Classification Definitions 2015. Collection method: clinical testing. Allele origin: germline. Observed: 2 variant alleles, 1 heterozygote.

Literature cited by the submitters: PubMed 30919572 (cited by Labcorp Genetics (formerly Invitae), Labcorp).